The following is an entry in ClinVar:

ClinVar aggregate classification (germline): Pathogenic (1 of 4 stars; one submission).

Conditions:
Ornithine carbamoyltransferase deficiency (OTCD). Also called: Ornithine Carbamoyltransferase Deficiency Disease; ORNITHINE TRANSCARBAMYLASE DEFICIENCY, HYPERAMMONEMIA DUE TO; ORNITHINE TRANSCARBAMYLASE DEFICIENCY; OTC DEFICIENCY. Identifiers: Orphanet 664, MedGen C0268542, MONDO:0010703, OMIM 311250.

Submission:

Labcorp Genetics (formerly Invitae), Labcorp
Classification: Pathogenic for Ornithine carbamoyltransferase deficiency. Last evaluated: 2022-11-08. Review status: criteria provided, single submitter. Criteria: Invitae Variant Classification Sherloc (09022015). Collection method: clinical testing. Allele origin: germline.
Comment: For these reasons, this variant has been classified as Pathogenic. This variant disrupts a region of the OTC protein in which other variant(s) (p.Tyr183Cys) have been determined to be pathogenic (PMID: 8260194, 23278509, 25994866). This suggests that this is a clinically significant region of the protein, and that variants that disrupt it are likely to be disease-causing. This variant has not been reported in the literature in individuals affected with OTC-related conditions. This variant is a gross deletion of the genomic region encompassing exon(s) 6 of the OTC gene. This variant would be expected to be in-frame, preserving the integrity of the reading frame.

Literature cited by the submitters: PubMed 8260194; PubMed 23278509; PubMed 25994866.

NC_000023.10:g.(?_38262851)_(38263013_?)del

Gene: OTC (ornithine transcarbamylase; plus strand). Cytogenetic location: Xp11.4.
Variant type: Deletion.
Identifiers: ClinVar variation 2423238 (VCV002423238.5).